The following is an entry in ClinVar:

NM_001041.4(SI):c.4556G>T (p.Ser1519Ile)

Gene: SI (sucrase-isomaltase; minus strand). Cytogenetic location: 3q26.1.
Variant type: single nucleotide variant.
Coding change: c.4556G>T on transcript NM_001041.4 (MANE Select); coding-DNA position 4556, G replaced by T.
Protein change: p.Ser1519Ile; replaces serine 1519 with isoleucine.
Molecular consequence: missense variant.
Genome position (GRCh38, 1-based): chr3:164,996,757, C>A on the plus strand (G>T on the coding strand, the complement: SI is on the minus strand). VCF-style: chr3-164996757-C-A. GRCh37 (hg19) VCF-style: chr3-164714545-C-A.
Other names: short protein forms S1519I.
Identifiers: ClinVar variation 1407178 (VCV001407178.8), dbSNP rs1217919736, ClinGen allele CA355030016.
Genomic context (GRCh38, chr3:164,996,757, plus strand): 5'-TGTTTATAATTTATGAAGATAAAAGGAATAAAACTACTTACATATGACATTCCAAACAGA[C>A]TAAATTCCATCATACCTGAAAAAGTTAGAAAAAATATCTTAGAAAGTTATTATTTCATAT-3'
Protein context (NP_001032.2, residues 1509-1529): DKSIIGMMEF[Ser1519Ile]LFGMSYTGAD

ClinVar aggregate classification (germline): Uncertain significance (1 of 4 stars; one submission).

Submission:

Labcorp Genetics (formerly Invitae), Labcorp
Classification: Uncertain significance. Last evaluated: 2022-06-13. Review status: criteria provided, single submitter. Criteria: Invitae Variant Classification Sherloc (09022015). Collection method: clinical testing. Allele origin: germline.
Comment: In summary, the available evidence is currently insufficient to determine the role of this variant in disease. Therefore, it has been classified as a Variant of Uncertain Significance. Advanced modeling of protein sequence and biophysical properties (such as structural, functional, and spatial information, amino acid conservation, physicochemical variation, residue mobility, and thermodynamic stability) performed at Invitae indicates that this missense variant is expected to disrupt SI protein function. This variant has not been reported in the literature in individuals affected with SI-related conditions. This variant is not present in population databases (gnomAD no frequency). This sequence change replaces serine, which is neutral and polar, with isoleucine, which is neutral and non-polar, at codon 1519 of the SI protein (p.Ser1519Ile).